The following is an entry in ClinVar:

ClinVar aggregate classification (germline): Uncertain significance (1 of 4 stars; one submission).

Allele frequency attached by ClinVar (database versions not stated): ExAC 0.00002.
gnomAD v4.1: 12 of 1,609,570 alleles (0.00075%); highest among the groups gnomAD compares: East Asian, 0.0068%; no homozygotes.

Submission:

Labcorp Genetics (formerly Invitae), Labcorp
Classification: Uncertain significance. Last evaluated: 2022-07-15. Review status: criteria provided, single submitter. Criteria: Invitae Variant Classification Sherloc (09022015). Collection method: clinical testing. Allele origin: germline.
Comment: This sequence change replaces arginine, which is basic and polar, with glutamine, which is neutral and polar, at codon 1080 of the TTLL5 protein (p.Arg1080Gln). This variant is present in population databases (rs768574994, gnomAD 0.01%). In summary, the available evidence is currently insufficient to determine the role of this variant in disease. Therefore, it has been classified as a Variant of Uncertain Significance. Algorithms developed to predict the effect of missense changes on protein structure and function output the following: SIFT: "Deleterious"; PolyPhen-2: "Benign"; Align-GVGD: "Class C0". The glutamine amino acid residue is found in multiple mammalian species, which suggests that this missense change does not adversely affect protein function. This variant has not been reported in the literature in individuals affected with TTLL5-related conditions.

NM_015072.5(TTLL5):c.3239G>A (p.Arg1080Gln)

Gene: TTLL5 (tubulin tyrosine ligase like 5; plus strand). Cytogenetic location: 14q24.3.
Variant type: single nucleotide variant.
Coding change: c.3239G>A on transcript NM_015072.5 (MANE Select); coding-DNA position 3239, G replaced by A.
Protein change: p.Arg1080Gln; replaces arginine 1080 with glutamine.
Molecular consequence: missense variant.
Genome position (GRCh38, 1-based): chr14:75,820,074, G>A. VCF-style: chr14-75820074-G-A. GRCh37 (hg19) VCF-style: chr14-76286417-G-A.
Other names: short protein forms R1080Q.
Identifiers: ClinVar variation 1964108 (VCV001964108.5), dbSNP rs768574994, ClinGen allele CA7279961.